The following is an entry in ClinVar:

NM_001377.3(DYNC2H1):c.9C>A (p.Asn3Lys)

Gene: DYNC2H1 (dynein cytoplasmic 2 heavy chain 1; plus strand). Cytogenetic location: 11q22.3.
Variant type: single nucleotide variant.
Coding change: c.9C>A on transcript NM_001377.3 (MANE Select); coding-DNA position 9, C replaced by A.
Protein change: p.Asn3Lys; replaces asparagine 3 with lysine.
Molecular consequence: missense variant.
Genome position (GRCh38, 1-based): chr11:103,109,583, C>A. VCF-style: chr11-103109583-C-A. GRCh37 (hg19) VCF-style: chr11-102980312-C-A.
Other names: c.9C>A, p.Asn3Lys (NM_001080463.2); short protein forms N3K.
Identifiers: ClinVar variation 3606326 (VCV003606326.2).

ClinVar aggregate classification (germline): Uncertain significance (1 of 4 stars; one submission).

Conditions:
Jeune thoracic dystrophy. Also called: Jeune syndrome; Infantile thoracic dystrophy; Thoracic pelvic phalangeal dystrophy; Jeune's syndrome; Chondroectodermal dysplasia-like syndrome; Short-rib thoracic dysplasia. Identifiers: Orphanet 474, MedGen C0265275, MONDO:0018770.

gnomAD v4.1: 1 of 1,613,526 alleles (0.000062%); highest among the groups gnomAD compares: Non-Finnish European, 0.000085%; no homozygotes.

Submission:

Labcorp Genetics (formerly Invitae), Labcorp
Classification: Uncertain significance for Jeune thoracic dystrophy. Last evaluated: 2024-09-20. Review status: criteria provided, single submitter. Criteria: Invitae Variant Classification Sherloc (09022015). Collection method: clinical testing. Allele origin: germline.
Comment: This sequence change replaces asparagine, which is neutral and polar, with lysine, which is basic and polar, at codon 3 of the DYNC2H1 protein (p.Asn3Lys). This variant is not present in population databases (gnomAD no frequency). This variant has not been reported in the literature in individuals affected with DYNC2H1-related conditions. Invitae Evidence Modeling of protein sequence and biophysical properties (such as structural, functional, and spatial information, amino acid conservation, physicochemical variation, residue mobility, and thermodynamic stability) indicates that this missense variant is not expected to disrupt DYNC2H1 protein function with a negative predictive value of 95%. In summary, the available evidence is currently insufficient to determine the role of this variant in disease. Therefore, it has been classified as a Variant of Uncertain Significance.